The following is an entry in ClinVar:

NM_016343.4(CENPF):c.5045C>T (p.Thr1682Ile)

Gene: CENPF (centromere protein F; plus strand). Cytogenetic location: 1q41.
Variant type: single nucleotide variant.
Coding change: c.5045C>T on transcript NM_016343.4 (MANE Select); coding-DNA position 5045, C replaced by T.
Protein change: p.Thr1682Ile; replaces threonine 1682 with isoleucine.
Molecular consequence: missense variant.
Genome position (GRCh38, 1-based): chr1:214,644,615, C>T. VCF-style: chr1-214644615-C-T. GRCh37 (hg19) VCF-style: chr1-214817958-C-T.
Other names: short protein forms T1682I.
Identifiers: ClinVar variation 2200475 (VCV002200475.5), dbSNP rs142125418, ClinGen allele CA1390718.

ClinVar aggregate classification (germline): Uncertain significance. Review status: criteria provided, multiple submitters, no conflicts (2 of 4 stars). 2 submissions from 2 submitters: Uncertain significance (2). Last evaluated 2025-09-03.

Conditions:
Inborn genetic diseases. Identifiers: MedGen C0950123, MeSH D030342.

Allele frequency attached by ClinVar (database versions not stated): ExAC 0.00016; TOPMed 0.00017; gnomAD 0.00020; gnomAD exomes 0.00023; ESP Exome Variant Server 0.00054.
gnomAD v4.1: 368 of 1,613,366 alleles (0.023%); highest among the groups gnomAD compares: Non-Finnish European, 0.03%; no homozygotes.

Submissions (2):

Labcorp Genetics (formerly Invitae), Labcorp
Classification: Uncertain significance. Last evaluated: 2025-09-03. Review status: criteria provided, single submitter. Criteria: Invitae Variant Classification Sherloc (09022015). Collection method: clinical testing. Allele origin: germline.
Comment: This sequence change replaces threonine, which is neutral and polar, with isoleucine, which is neutral and non-polar, at codon 1682 of the CENPF protein (p.Thr1682Ile). This variant is present in population databases (rs142125418, gnomAD 0.03%). This variant has not been reported in the literature in individuals affected with CENPF-related conditions. ClinVar contains an entry for this variant (Variation ID: 2200475). An algorithm developed to predict the effect of missense changes on protein structure and function outputs the following: PolyPhen-2: "Benign". The isoleucine amino acid residue is found in multiple mammalian species, which suggests that this missense change does not adversely affect protein function. In summary, the available evidence is currently insufficient to determine the role of this variant in disease. Therefore, it has been classified as a Variant of Uncertain Significance.

Ambry Genetics
Classification: Uncertain significance for Inborn genetic diseases. Last evaluated: 2021-09-01. Review status: criteria provided, single submitter. Criteria: Ambry Variant Classification Scheme 2023. Collection method: clinical testing. Allele origin: germline.